The following is an entry in ClinVar:

NM_198407.2(GHSR):c.991C>T (p.Arg331Trp)

Gene: GHSR (growth hormone secretagogue receptor; minus strand). Cytogenetic location: 3q26.31.
Variant type: single nucleotide variant.
Coding change: c.991C>T on transcript NM_198407.2 (MANE Select); coding-DNA position 991, C replaced by T.
Protein change: p.Arg331Trp; replaces arginine 331 with tryptophan.
Molecular consequence: missense variant.
Genome position (GRCh38, 1-based): chr3:172,445,271, G>A on the plus strand (C>T on the coding strand, the complement: GHSR is on the minus strand). VCF-style: chr3-172445271-G-A. GRCh37 (hg19) VCF-style: chr3-172163061-G-A.
Other names: short protein forms R331W.
Identifiers: ClinVar variation 1967433 (VCV001967433.5), dbSNP rs201162557, ClinGen allele CA87781938.

ClinVar aggregate classification (germline): Uncertain significance (1 of 4 stars; one submission).

Allele frequency attached by ClinVar (database versions not stated): gnomAD exomes below 0.00001; TOPMed 0.00001.
gnomAD v4.1: 6 of 1,613,998 alleles (0.00037%); highest among the groups gnomAD compares: East Asian, 0.0022%; 1 homozygote.

Submission:

Labcorp Genetics (formerly Invitae), Labcorp
Classification: Uncertain significance. Last evaluated: 2023-02-16. Review status: criteria provided, single submitter. Criteria: Invitae Variant Classification Sherloc (09022015). Collection method: clinical testing. Allele origin: germline.
Comment: In summary, the available evidence is currently insufficient to determine the role of this variant in disease. Therefore, it has been classified as a Variant of Uncertain Significance. Advanced modeling of protein sequence and biophysical properties (such as structural, functional, and spatial information, amino acid conservation, physicochemical variation, residue mobility, and thermodynamic stability) performed at Invitae indicates that this missense variant is expected to disrupt GHSR protein function. This variant has not been reported in the literature in individuals affected with GHSR-related conditions. This variant is present in population databases (rs201162557, gnomAD 0.0009%). This sequence change replaces arginine, which is basic and polar, with tryptophan, which is neutral and slightly polar, at codon 331 of the GHSR protein (p.Arg331Trp).